The following is an entry in ClinVar:

NM_001365536.1(SCN9A):c.53A>T (p.Gln18Leu)

Gene: SCN9A (sodium voltage-gated channel alpha subunit 9; minus strand). Cytogenetic location: 2q24.3.
Variant type: single nucleotide variant.
Coding change: c.53A>T on transcript NM_001365536.1 (MANE Select); coding-DNA position 53, A replaced by T.
Protein change: p.Gln18Leu; replaces glutamine 18 with leucine.
Molecular consequence: missense variant.
Genome position (GRCh38, 1-based): chr2:166,311,704, T>A on the plus strand (A>T on the coding strand, the complement: SCN9A is on the minus strand). VCF-style: chr2-166311704-T-A. GRCh37 (hg19) VCF-style: chr2-167168214-T-A.
Other names: c.53A>T, p.Gln18Leu (NM_002977.4); short protein forms Q18L.
Identifiers: ClinVar variation 1348927 (VCV001348927.6), dbSNP rs1319079239, ClinGen allele CA349096211.

ClinVar aggregate classification (germline): Uncertain significance (1 of 4 stars; one submission).

Conditions:
Neuropathy, hereditary sensory and autonomic, type 2A (HSAN2A). Also called: HSAN IIA; MORVAN DISEASE; NEUROPATHY, CONGENITAL SENSORY; NEUROPATHY, HEREDITARY SENSORY RADICULAR, AUTOSOMAL RECESSIVE; NEUROPATHY, HEREDITARY SENSORY, TYPE IIA; NEUROPATHY, PROGRESSIVE SENSORY, OF CHILDREN. Identifiers: Orphanet 970, MedGen C2752089, MONDO:0024309, OMIM 201300.
Generalized epilepsy with febrile seizures plus, type 7 (GEFSP7). Also called: GEFS+, TYPE 7. Identifiers: Orphanet 36387, MedGen C2751778, MONDO:0013470, OMIM 613863.

Allele frequency attached by ClinVar (database versions not stated): gnomAD exomes below 0.00001; TOPMed below 0.00001.
gnomAD v4.1: 1 of 1,612,692 alleles (0.000062%); highest among the groups gnomAD compares: Admixed American, 0.0017%; no homozygotes.

Submission:

Labcorp Genetics (formerly Invitae), Labcorp
Classification: Uncertain significance for Neuropathy, hereditary sensory and autonomic, type 2A; Generalized epilepsy with febrile seizures plus, type 7. Last evaluated: 2024-11-24. Review status: criteria provided, single submitter. Criteria: Invitae Variant Classification Sherloc (09022015). Collection method: clinical testing. Allele origin: germline.
Comment: This sequence change replaces glutamine, which is neutral and polar, with leucine, which is neutral and non-polar, at codon 18 of the SCN9A protein (p.Gln18Leu). This variant is present in population databases (no rsID available, gnomAD 0.003%). This variant has not been reported in the literature in individuals affected with SCN9A-related conditions. ClinVar contains an entry for this variant (Variation ID: 1348927). Invitae Evidence Modeling of protein sequence and biophysical properties (such as structural, functional, and spatial information, amino acid conservation, physicochemical variation, residue mobility, and thermodynamic stability) has been performed for this missense variant. However, the output from this modeling did not meet the statistical confidence thresholds required to predict the impact of this variant on SCN9A protein function. In summary, the available evidence is currently insufficient to determine the role of this variant in disease. Therefore, it has been classified as a Variant of Uncertain Significance.